The following is an entry in ClinVar:

ClinVar aggregate classification (germline): Benign (1 of 4 stars; one submission).

Conditions:
Autosomal dominant nonsyndromic hearing loss 4A. Also called: Deafness, autosomal dominant 4A. Identifiers: Orphanet 90635, MedGen C1833503, MONDO:0010915, OMIM 600652.

Allele frequency attached by ClinVar (database versions not stated): gnomAD 0.00057 and 0.00115; TOPMed 0.00100; 1000 Genomes Project 30x 0.00625; 1000 Genomes Project 0.00699.

Submission:

Illumina Laboratory Services, Illumina
Classification: Benign for Autosomal dominant nonsyndromic hearing loss 4A. Last evaluated: 2018-01-12. Review status: criteria provided, single submitter. Criteria: ICSL Variant Classification Criteria 13 December 2019. Collection method: clinical testing. Allele origin: germline.
Comment: This variant was observed in the ICSL laboratory as part of a predisposition screen in an ostensibly healthy population. It had not been previously curated by ICSL or reported in the Human Gene Mutation Database (HGMD: prior to June 1st, 2018), and was therefore a candidate for classification through an automated scoring system. Utilizing variant allele frequency, disease prevalence and penetrance estimates, and inheritance mode, an automated score was calculated to assess if this variant is too frequent to cause the disease. Based on the score and internal cut-off values, a variant classified as benign is not then subjected to further curation. The score for this variant resulted in a classification of benign for this disease.

NM_001145809.2(MYH14):c.-13C>T

Gene: MYH14 (myosin heavy chain 14; plus strand). Cytogenetic location: 19q13.33.
Variant type: single nucleotide variant.
Coding change: c.-13C>T on transcript NM_001145809.2 (MANE Select); 13 bases upstream of the start codon, C replaced by T.
Molecular consequence: 5 prime UTR variant.
Genome position (GRCh38, 1-based): chr19:50,203,662, C>T. VCF-style: chr19-50203662-C-T. GRCh37 (hg19) VCF-style: chr19-50706919-C-T.
Other names: c.-13C>T (NM_001077186.2, NM_024729.4).
Identifiers: ClinVar variation 329900 (VCV000329900.5), dbSNP rs187670753, ClinGen allele CA10652187.